The following is an entry in ClinVar:

NM_015158.5(KANK1):c.818G>A (p.Arg273His)

Gene: KANK1 (KN motif and ankyrin repeat domains 1; plus strand). Cytogenetic location: 9p24.3.
Variant type: single nucleotide variant.
Coding change: c.818G>A on transcript NM_015158.5 (MANE Select); coding-DNA position 818, G replaced by A.
Protein change: p.Arg273His; replaces arginine 273 with histidine.
Molecular consequence: missense variant. On other transcripts: non-coding transcript variant (1).
Genome position (GRCh38, 1-based): chr9:711,584, G>A. VCF-style: chr9-711584-G-A. GRCh37 (hg19) VCF-style: chr9-711584-G-A.
Other names: c.818G>A (NM_015158.2); c.818G>A, p.Arg273His (NM_001256876.3, NM_001256877.3, NM_001354331.2 and 2 more transcripts); c.344G>A, p.Arg115His (NM_001354333.2, NM_001354335.2, NM_001354336.2 and 9 more transcripts); short protein forms R115H, R273H.
Identifiers: ClinVar variation 3606576 (VCV003606576.3).

ClinVar aggregate classification (germline): Uncertain significance. Review status: criteria provided, multiple submitters, no conflicts (2 of 4 stars). 2 submissions from 2 submitters: Uncertain significance (2). Last evaluated 2025-08-12.

gnomAD v4.1: 23 of 1,614,080 alleles (0.0014%); highest among the groups gnomAD compares: Admixed American, 0.02%; no homozygotes.

Submissions (2):

Labcorp Genetics (formerly Invitae), Labcorp
Classification: Uncertain significance. Last evaluated: 2025-08-12. Review status: criteria provided, single submitter. Criteria: Invitae Variant Classification Sherloc (09022015). Collection method: clinical testing. Allele origin: germline.
Comment: This sequence change replaces arginine, which is basic and polar, with histidine, which is basic and polar, at codon 273 of the KANK1 protein (p.Arg273His). This variant is present in population databases (rs191266626, gnomAD 0.006%). This variant has not been reported in the literature in individuals affected with KANK1-related conditions. ClinVar contains an entry for this variant (Variation ID: 3606576). Invitae Evidence Modeling of protein sequence and biophysical properties (such as structural, functional, and spatial information, amino acid conservation, physicochemical variation, residue mobility, and thermodynamic stability) indicates that this missense variant is not expected to disrupt KANK1 protein function with a negative predictive value of 80%. In summary, the available evidence is currently insufficient to determine the role of this variant in disease. Therefore, it has been classified as a Variant of Uncertain Significance.

Ambry Genetics
Classification: Uncertain significance. Last evaluated: 2025-06-07. Review status: criteria provided, single submitter. Criteria: Ambry Variant Classification Scheme 2023. Collection method: clinical testing. Allele origin: germline.